The following is an entry in ClinVar:

NM_173689.7(CRB2):c.2965C>G (p.Leu989Val)

Gene: CRB2 (crumbs cell polarity complex component 2; plus strand). Cytogenetic location: 9q33.3.
Variant type: single nucleotide variant.
Coding change: c.2965C>G on transcript NM_173689.7 (MANE Select); coding-DNA position 2965, C replaced by G.
Protein change: p.Leu989Val; replaces leucine 989 with valine.
Molecular consequence: missense variant. On other transcripts: non-coding transcript variant (1).
Genome position (GRCh38, 1-based): chr9:123,373,496, C>G. VCF-style: chr9-123373496-C-G. GRCh37 (hg19) VCF-style: chr9-126135775-C-G.
Other names: c.2965C>G (NM_173689.6); short protein forms L989V.
Identifiers: ClinVar variation 3077274 (VCV003077274.2), dbSNP rs775946838, ClinGen allele CA5232331.

ClinVar aggregate classification (germline): Uncertain significance. Review status: criteria provided, multiple submitters, no conflicts (2 of 4 stars). 2 submissions from 2 submitters: Uncertain significance (2). Last evaluated 2025-08-14.

Conditions:
Inborn genetic diseases. Identifiers: MedGen C0950123, MeSH D030342.

Allele frequency attached by ClinVar (database versions not stated): TOPMed 0.00001; ExAC 0.00007.

Submissions (2):

GeneDx
Classification: Uncertain significance. Last evaluated: 2025-08-14. Review status: criteria provided, single submitter. Criteria: GeneDx Variant Classification Process June 2021. Collection method: clinical testing. Allele origin: germline. Affected: yes.
Comment: Not observed at significant frequency in large population cohorts (gnomAD); In silico analysis suggests that this missense variant does not alter protein structure/function; Has not been previously published as pathogenic or benign to our knowledge

Ambry Genetics
Classification: Uncertain significance for Inborn genetic diseases. Last evaluated: 2023-12-07. Review status: criteria provided, single submitter. Criteria: Ambry Variant Classification Scheme 2023. Collection method: clinical testing. Allele origin: germline.